The following is an entry in ClinVar:

ClinVar aggregate classification (germline): Pathogenic (1 of 4 stars; one submission).

Conditions:
Familial cancer of breast. Also called: hereditary breast carcinoma; BREAST CANCER, FAMILIAL; Hereditary breast cancer. Identifiers: Orphanet 227535, MedGen C0346153, MONDO:0016419, OMIM 114480. Disease mechanism: loss of function.

Submission:

Myriad Genetics, Inc.
Classification: Pathogenic for Familial cancer of breast. Last evaluated: 2024-07-11. Review status: criteria provided, single submitter. Criteria: Myriad Autosomal Dominant, Autosomal Recessive and X-Linked Classification Criteria (2023). Collection method: clinical testing. Allele origin: unknown.
Comment: This variant is considered pathogenic. This variant creates a frameshift predicted to result in premature protein truncation.

NM_000051.4(ATM):c.6738dup (p.Ile2247fs)

Genes: ATM (ATM serine/threonine kinase; plus strand), C11orf65 (chromosome 11 open reading frame 65; minus strand). Cytogenetic location: 11q22.3.
Variant type: Duplication.
Coding change: c.6738dup on transcript NM_000051.4 (MANE Select); coding-DNA position 6738, one base duplicated (T; older notation c.6738dupT).
Protein change: p.Ile2247fs; shifts the reading frame from isoleucine 2247.
Molecular consequence: frameshift variant. On other transcripts: intron variant (2).
Genome position (GRCh38, 1-based): chr11:108,325,475, T duplicated. VCF-style (leftmost placement, unchanged base first): chr11-108325474-G-GT. GRCh37 (hg19) VCF-style: chr11-108196201-G-GT.
Other names: c.6738dup, p.Ile2247fs (NM_001351834.2); c.641-16404dup (NM_001330368.2); c.*38+9745dup (NM_001351110.2); short protein forms I2247fs.
Identifiers: ClinVar variation 3379239 (VCV003379239.1).